The following is an entry in ClinVar:

NM_001649.4(SHROOM2):c.3210C>T (p.Arg1070=)

Gene: SHROOM2 (shroom family member 2; plus strand). Cytogenetic location: Xp22.2.
Variant type: single nucleotide variant.
Coding change: c.3210C>T on transcript NM_001649.4 (MANE Select); coding-DNA position 3210, C replaced by T.
Protein change: p.Arg1070=; no amino-acid change (arginine 1070 retained).
Molecular consequence: synonymous variant. On other transcripts: 5 prime UTR variant (2).
Genome position (GRCh38, 1-based): chrX:9,932,493, C>T. VCF-style: chrX-9932493-C-T. GRCh37 (hg19) VCF-style: chrX-9900533-C-T.
Other names: c.-286C>T (NM_001320663.2, NM_001320664.2).
Identifiers: ClinVar variation 3057231 (VCV003057231.2), dbSNP rs150556964, ClinGen allele CA10345712.
Genomic context (GRCh38, chrX:9,932,493, plus strand): 5'-AGTGAGCTCAGCCCTGCTCTCCAAGAGGCCAGCCCCACAGAGGCCACCGCCACCCAAGCG[C>T]GAGCCCAGGAGATACAGGGCCACAGACGGCGCACCTGCTGACGCCCCCGTGGGCGTCCTC-3'
Protein context (NP_001640.1, residues 1060-1080): PAPQRPPPPK[Arg1070=]EPRRYRATDG

ClinVar aggregate classification (germline): Likely benign (0 of 4 stars; one submission).

Conditions:
SHROOM2-related disorder. Also called: SHROOM2-related condition.

Allele frequency attached by ClinVar (database versions not stated): 1000 Genomes Project 0.00079; 1000 Genomes Project 30x 0.00104; ExAC 0.00126; TOPMed 0.00135; gnomAD 0.00147; ESP Exome Variant Server 0.00218; gnomAD exomes 0.00242.
gnomAD v4.1: 2,769 of 1,207,081 alleles (0.23%); highest among the groups gnomAD compares: Non-Finnish European, 0.28%; 2 homozygotes.

Submission:

PreventionGenetics, part of Exact Sciences
Classification: Likely benign for SHROOM2-related condition. Last evaluated: 2024-08-11. Review status: no assertion criteria provided. Collection method: clinical testing. Allele origin: germline.
Comment: This variant is classified as likely benign based on ACMG/AMP sequence variant interpretation guidelines (Richards et al. 2015 PMID: 25741868, with internal and published modifications).